The following is an entry in ClinVar:

ClinVar aggregate classification (germline): Uncertain significance. Review status: criteria provided, multiple submitters, no conflicts (2 of 4 stars). 2 submissions from 2 submitters: Uncertain significance (2). Last evaluated 2025-11-01.

gnomAD v4.1: 39 of 1,607,084 alleles (0.0024%); highest among the groups gnomAD compares: Non-Finnish European, 0.0029%; no homozygotes.

Submissions (2):

Labcorp Genetics (formerly Invitae), Labcorp
Classification: Uncertain significance. Last evaluated: 2025-11-01. Review status: criteria provided, single submitter. Criteria: Invitae Variant Classification Sherloc (09022015). Collection method: clinical testing. Allele origin: germline.
Comment: This sequence change replaces leucine, which is neutral and non-polar, with valine, which is neutral and non-polar, at codon 135 of the SLC25A32 protein (p.Leu135Val). This variant is present in population databases (rs777000775, gnomAD 0.006%). This variant has not been reported in the literature in individuals affected with SLC25A32-related conditions. ClinVar contains an entry for this variant (Variation ID: 3443424). Invitae Evidence Modeling of protein sequence and biophysical properties (such as structural, functional, and spatial information, amino acid conservation, physicochemical variation, residue mobility, and thermodynamic stability) indicates that this missense variant is not expected to disrupt SLC25A32 protein function with a negative predictive value of 80%. In summary, the available evidence is currently insufficient to determine the role of this variant in disease. Therefore, it has been classified as a Variant of Uncertain Significance.

Ambry Genetics
Classification: Uncertain significance. Last evaluated: 2024-08-19. Review status: criteria provided, single submitter. Criteria: Ambry Variant Classification Scheme 2023. Collection method: clinical testing. Allele origin: germline.

NM_030780.5(SLC25A32):c.403C>G (p.Leu135Val)

Gene: SLC25A32 (solute carrier family 25 member 32; minus strand). Cytogenetic location: 8q22.3.
Variant type: single nucleotide variant.
Coding change: c.403C>G on transcript NM_030780.5 (MANE Select); coding-DNA position 403, C replaced by G.
Protein change: p.Leu135Val; replaces leucine 135 with valine.
Molecular consequence: missense variant. On other transcripts: non-coding transcript variant (2).
Genome position (GRCh38, 1-based): chr8:103,403,313, G>C on the plus strand (C>G on the coding strand, the complement: SLC25A32 is on the minus strand). VCF-style: chr8-103403313-G-C. GRCh37 (hg19) VCF-style: chr8-104415541-G-C.
Other names: short protein forms L135V.
Identifiers: ClinVar variation 3443424 (VCV003443424.3).